The following is an entry in ClinVar:

ClinVar aggregate classification (germline): Uncertain significance (1 of 4 stars; one submission).

Conditions:
Adams-Oliver syndrome 5 (AOS5). Identifiers: Orphanet 974, MedGen C4014970, MONDO:0014459, OMIM 616028.

Allele frequency attached by ClinVar (database versions not stated): gnomAD exomes below 0.00001.
gnomAD v4.1: 1 of 1,612,960 alleles (0.000062%); highest among the groups gnomAD compares: East Asian, 0.0022%; no homozygotes.

Submission:

Labcorp Genetics (formerly Invitae), Labcorp
Classification: Uncertain significance for Adams-Oliver syndrome 5. Last evaluated: 2023-04-04. Review status: criteria provided, single submitter. Criteria: Invitae Variant Classification Sherloc (09022015). Collection method: clinical testing. Allele origin: germline.
Comment: This sequence change replaces tyrosine, which is neutral and polar, with phenylalanine, which is neutral and non-polar, at codon 737 of the NOTCH1 protein (p.Tyr737Phe). This variant is not present in population databases (gnomAD no frequency). This variant has not been reported in the literature in individuals affected with NOTCH1-related conditions. An algorithm developed to predict the effect of missense changes on protein structure and function (PolyPhen-2) suggests that this variant is likely to be disruptive. In summary, the available evidence is currently insufficient to determine the role of this variant in disease. Therefore, it has been classified as a Variant of Uncertain Significance.

NM_017617.5(NOTCH1):c.2210A>T (p.Tyr737Phe)

Gene: NOTCH1 (notch receptor 1; minus strand). Cytogenetic location: 9q34.3.
Variant type: single nucleotide variant.
Coding change: c.2210A>T on transcript NM_017617.5 (MANE Select); coding-DNA position 2210, A replaced by T.
Protein change: p.Tyr737Phe; replaces tyrosine 737 with phenylalanine.
Molecular consequence: missense variant.
Genome position (GRCh38, 1-based): chr9:136,513,535, T>A on the plus strand (A>T on the coding strand, the complement: NOTCH1 is on the minus strand). VCF-style: chr9-136513535-T-A. GRCh37 (hg19) VCF-style: chr9-139407987-T-A.
Other names: short protein forms Y737F.
Identifiers: ClinVar variation 2851723 (VCV002851723.3), dbSNP rs2540453154, ClinGen allele CA375557421.